The following is an entry in ClinVar:

NM_002968.3(SALL1):c.1873G>T (p.Glu625Ter)

Gene: SALL1 (spalt like transcription factor 1; minus strand). Cytogenetic location: 16q12.1.
Variant type: single nucleotide variant.
Coding change: c.1873G>T on transcript NM_002968.3 (MANE Select); coding-DNA position 1873, G replaced by T.
Protein change: p.Glu625Ter; replaces glutamic acid 625 with a stop codon.
Molecular consequence: nonsense.
Genome position (GRCh38, 1-based): chr16:51,140,349, C>A on the plus strand (G>T on the coding strand, the complement: SALL1 is on the minus strand). VCF-style: chr16-51140349-C-A. GRCh37 (hg19) VCF-style: chr16-51174260-C-A.
Other names: c.1582G>T, p.Glu528Ter (NM_001127892.2); short protein forms E528*, E625*.
Identifiers: ClinVar variation 973255 (VCV000973255.5), dbSNP rs1197587893, ClinGen allele CA395887118.

ClinVar aggregate classification (germline): Pathogenic (1 of 4 stars; one submission).

Conditions:
Townes-Brocks syndrome 1 (TBS1). Also called: SALL1-Related Townes-Brocks Syndrome; DEAFNESS, SENSORINEURAL, WITH IMPERFORATE ANUS AND THUMB ANOMALIES; REAR SYNDROME; RENAL-EAR-ANAL-RADIAL SYNDROME. Identifiers: Orphanet 857, MedGen C4551481, MONDO:0054581, OMIM 107480.

Submission:

Institute for Genomic Medicine (IGM) Clinical Laboratory, Nationwide Children's Hospital
Classification: Pathogenic for Townes-Brocks syndrome 1. Last evaluated: 2017-07-23. Review status: criteria provided, single submitter. Criteria: ACMG Guidelines, 2015. Collection method: clinical testing. Allele origin: germline. Affected: yes.
Comment: [ACMG/AMP: PVS1, PM2, PP1, PP3] This alteration is a null variant in a gene where LOF is a known mechanism of disease [PVS1], is absent from or rarely observed in large-scale population databases [PM2], has been shown to cosegregate with disease in multiple affected family members [PP1], is predicted to be damaging by multiple functional prediction tools [PP3].